The following is an entry in ClinVar:

NM_000528.4(MAN2B1):c.2445_2447delinsT (p.Arg816fs)

Gene: MAN2B1 (mannosidase alpha class 2B member 1; minus strand). Cytogenetic location: 19p13.13.
Variant type: Indel.
Coding change: c.2445_2447delinsT on transcript NM_000528.4 (MANE Select); coding-DNA positions 2445 to 2447, AAG replaced by T.
Protein change: p.Arg816fs; shifts the reading frame from arginine 816.
Molecular consequence: frameshift variant.
Genome position (GRCh38, 1-based): chr19:12,648,392-12,648,394, CTT replaced by A on the plus strand (AAG replaced by T on the coding strand, the reverse complement: MAN2B1 is on the minus strand). VCF-style: chr19-12648392-CTT-A. GRCh37 (hg19) VCF-style: chr19-12759206-CTT-A.
Other names: c.2442_2444delinsT, p.Arg815fs (NM_001173498.2); short protein forms R815fs, R816fs.
Identifiers: ClinVar variation 1726253 (VCV001726253.2), dbSNP rs2512486844, ClinGen allele CA2580096675.
Genomic context (GRCh38, chr19:12,648,392, plus strand): 5'-GCCCCCGACCCGTTCTCCATTAGTGGCTCCGATACTCCGCGTCCATCGTCCTTCAGCAGC[CTT>A]CGGTGCACCTGGGGGGAGAGTGGCCAGGAGGGGGTGAGAGTCGTGGGTTTGTGGGTGTCC-3'

ClinVar aggregate classification (germline): Likely pathogenic (1 of 4 stars; one submission).

Conditions:
Deficiency of alpha-mannosidase (MANSA). Also called: Mannosidosis, alpha-, types I and II; LYSOSOMAL ALPHA-D-MANNOSIDASE DEFICIENCY; Alpha-Mannosidosis. Identifiers: Orphanet 61, MedGen C0024748, MONDO:0009561, OMIM 248500.

Submission:

Myriad Genetics, Inc.
Classification: Likely pathogenic for Deficiency of alpha-mannosidase. Last evaluated: 2021-12-09. Review status: criteria provided, single submitter. Criteria: Myriad Women's Health Autosomal Recessive and X-Linked Classification Criteria (2021). Collection method: clinical testing. Allele origin: unknown.
Comment: NM_000528.3(MAN2B1):c.2445_2447delAAGinsT(R816Afs*114) is expected to be pathogenic in the context of alpha-mannosidosis. This variant is predicted to lead to an abnormal or absent protein product due to the creation of a premature termination codon in MAN2B1, a gene where loss-of-function variants are known to be pathogenic. Please note: this variant was assessed in the context of healthy population screening.